The following is an entry in ClinVar:

ClinVar aggregate classification (germline): Uncertain significance (1 of 4 stars; one submission).

Conditions:
Ataxia-telangiectasia syndrome (AT). Also called: Ataxia-telangiectasia; LOUIS-BAR SYNDROME; Ataxia-telangiectasia, complementation group D; AT, COMPLEMENTATION GROUP C; ATAXIA-TELANGIECTASIA, COMPLEMENTATION GROUP A; ATAXIA-TELANGIECTASIA, FRESNO VARIANT. Identifiers: Orphanet 100, MedGen C0004135, MONDO:0008840, OMIM 208900.

Submission:

Labcorp Genetics (formerly Invitae), Labcorp
Classification: Uncertain significance for Ataxia-telangiectasia syndrome. Last evaluated: 2022-02-20. Review status: criteria provided, single submitter. Criteria: Invitae Variant Classification Sherloc (09022015). Collection method: clinical testing. Allele origin: germline.
Comment: This sequence change replaces phenylalanine, which is neutral and non-polar, with leucine, which is neutral and non-polar, at codon 2537 of the ATM protein (p.Phe2537Leu). This variant is not present in population databases (gnomAD no frequency). This variant has not been reported in the literature in individuals affected with ATM-related conditions. Advanced modeling of protein sequence and biophysical properties (such as structural, functional, and spatial information, amino acid conservation, physicochemical variation, residue mobility, and thermodynamic stability) performed at Invitae indicates that this missense variant is expected to disrupt ATM protein function. In summary, the available evidence is currently insufficient to determine the role of this variant in disease. Therefore, it has been classified as a Variant of Uncertain Significance.

NM_000051.4(ATM):c.7609T>C (p.Phe2537Leu)

Genes: ATM (ATM serine/threonine kinase; plus strand), C11orf65 (chromosome 11 open reading frame 65; minus strand). Cytogenetic location: 11q22.3.
Variant type: single nucleotide variant.
Coding change: c.7609T>C on transcript NM_000051.4 (MANE Select); coding-DNA position 7609, T replaced by C.
Protein change: p.Phe2537Leu; replaces phenylalanine 2537 with leucine.
Molecular consequence: missense variant. On other transcripts: non-coding transcript variant (1), intron variant (2).
Genome position (GRCh38, 1-based): chr11:108,331,537, T>C. VCF-style: chr11-108331537-T-C. GRCh37 (hg19) VCF-style: chr11-108202264-T-C.
Other names: c.7609T>C, p.Phe2537Leu (NM_001351834.2); c.641-22466A>G (NM_001330368.2); c.*38+3683A>G (NM_001351110.2); short protein forms F2537L.
Identifiers: ClinVar variation 1366294 (VCV001366294.6), dbSNP rs2086234277, ClinGen allele CA382560828.